The following is an entry in ClinVar:

ClinVar aggregate classification (germline): Uncertain significance. Review status: criteria provided, multiple submitters, no conflicts (2 of 4 stars). 2 submissions from 2 submitters: Uncertain significance (2). Last evaluated 2023-10-03.

Allele frequency attached by ClinVar (database versions not stated): gnomAD 0.00001; ExAC 0.00003; TOPMed 0.00004; ESP Exome Variant Server 0.00031.
gnomAD v4.1: 82 of 1,613,636 alleles (0.0051%); highest among the groups gnomAD compares: Non-Finnish European, 0.0065%; no homozygotes.

Submissions (2):

Labcorp Genetics (formerly Invitae), Labcorp
Classification: Uncertain significance. Last evaluated: 2023-10-03. Review status: criteria provided, single submitter. Criteria: Invitae Variant Classification Sherloc (09022015). Collection method: clinical testing. Allele origin: germline.
Comment: This sequence change replaces arginine, which is basic and polar, with cysteine, which is neutral and slightly polar, at codon 176 of the CEP250 protein (p.Arg176Cys). This variant is present in population databases (rs150110885, gnomAD 0.007%). This variant has not been reported in the literature in individuals affected with CEP250-related conditions. ClinVar contains an entry for this variant (Variation ID: 1931277). An algorithm developed to predict the effect of missense changes on protein structure and function (PolyPhen-2) suggests that this variant is likely to be disruptive. In summary, the available evidence is currently insufficient to determine the role of this variant in disease. Therefore, it has been classified as a Variant of Uncertain Significance.

Blueprint Genetics
Classification: Uncertain significance. Last evaluated: 2020-03-25. Review status: criteria provided, single submitter. Criteria: ACMG Guidelines, 2015. Collection method: clinical testing. Allele origin: germline.

NM_007186.6(CEP250):c.526C>T (p.Arg176Cys)

Gene: CEP250 (centrosomal protein 250; plus strand). Cytogenetic location: 20q11.22.
Variant type: single nucleotide variant.
Coding change: c.526C>T on transcript NM_007186.6 (MANE Select); coding-DNA position 526, C replaced by T.
Protein change: p.Arg176Cys; replaces arginine 176 with cysteine.
Molecular consequence: missense variant. On other transcripts: 5 prime UTR variant (1).
Genome position (GRCh38, 1-based): chr20:35,466,999, C>T. VCF-style: chr20-35466999-C-T. GRCh37 (hg19) VCF-style: chr20-34054824-C-T.
Other names: c.-1374C>T (NM_001318219.1); short protein forms R176C.
Identifiers: ClinVar variation 1931277 (VCV001931277.5), dbSNP rs150110885, ClinGen allele CA9832635.